The following is an entry in ClinVar:

NM_006397.3(RNASEH2A):c.851C>T (p.Ser284Phe)

Gene: RNASEH2A (ribonuclease H2 subunit A; plus strand). Cytogenetic location: 19p13.13.
Variant type: single nucleotide variant.
Coding change: c.851C>T on transcript NM_006397.3 (MANE Select); coding-DNA position 851, C replaced by T.
Protein change: p.Ser284Phe; replaces serine 284 with phenylalanine.
Molecular consequence: missense variant.
Genome position (GRCh38, 1-based): chr19:12,813,417, C>T. VCF-style: chr19-12813417-C-T. GRCh37 (hg19) VCF-style: chr19-12924231-C-T.
Other names: short protein forms S284F.
Identifiers: ClinVar variation 1501136 (VCV001501136.5), dbSNP rs1474678539, ClinGen allele CA404269907.
Genomic context (GRCh38, chr19:12,813,417, plus strand): 5'-GACTCAGGAAGATCACATCCTACTTCCTCAATGAAGGGTCCCAAGCCCGTCCCCGTTCTT[C>T]CCACCGATATTTCCTGGAACGCGGCCTGGAGTCAGCAACCAGCCTCTAGCAGCTGCCTCT-3'
Protein context (NP_006388.2, residues 274-294): NEGSQARPRS[Ser284Phe]HRYFLERGLE

ClinVar aggregate classification (germline): Uncertain significance (1 of 4 stars; one submission).

Conditions:
Aicardi-Goutieres syndrome 4. Identifiers: Orphanet 51, MedGen C1835912, MONDO:0012472, OMIM 610333.

Allele frequency attached by ClinVar (database versions not stated): gnomAD 0.00001; gnomAD exomes below 0.00001.

Submission:

Labcorp Genetics (formerly Invitae), Labcorp
Classification: Uncertain significance for Aicardi-Goutieres syndrome 4. Last evaluated: 2022-10-25. Review status: criteria provided, single submitter. Criteria: Invitae Variant Classification Sherloc (09022015). Collection method: clinical testing. Allele origin: germline.
Comment: This sequence change replaces serine, which is neutral and polar, with phenylalanine, which is neutral and non-polar, at codon 284 of the RNASEH2A protein (p.Ser284Phe). This variant is present in population databases (no rsID available, gnomAD 0.004%). This variant has not been reported in the literature in individuals affected with RNASEH2A-related conditions. ClinVar contains an entry for this variant (Variation ID: 1501136). Algorithms developed to predict the effect of missense changes on protein structure and function (SIFT, PolyPhen-2, Align-GVGD) all suggest that this variant is likely to be tolerated. In summary, the available evidence is currently insufficient to determine the role of this variant in disease. Therefore, it has been classified as a Variant of Uncertain Significance.